The following is an entry in ClinVar:

ClinVar aggregate classification (germline): Conflicting classifications of pathogenicity. Review status: criteria provided, conflicting classifications (1 of 4 stars). 5 submissions from 5 submitters: Uncertain significance (1); Benign (2); Likely benign (2). Last evaluated 2026-02-02.

Conditions:
Retinitis pigmentosa (RP). Identifiers: Orphanet 791, MedGen C0035334, MeSH D012174, MONDO:0019200, OMIM 268000. Inheritance: Autosomal dominant, autosomal recessive and X linked inheritance.
Retinitis pigmentosa 45 (RP45). Identifiers: Orphanet 791, MedGen C3151066, MONDO:0013413, OMIM 613767.

Allele frequency attached by ClinVar (database versions not stated): 1000 Genomes Project 30x 0.00109; 1000 Genomes Project 0.00140; gnomAD 0.00296 and 0.00308; TOPMed 0.00309; ESP Exome Variant Server 0.00339; gnomAD exomes 0.00341 and 0.00417; ExAC 0.00395.
gnomAD v4.1: 6,535 of 1,614,132 alleles (0.4%); highest among the groups gnomAD compares: Middle Eastern, 1.7%; 21 homozygotes.

Submissions (5):

Labcorp Genetics (formerly Invitae), Labcorp
Classification: Benign. Last evaluated: 2026-02-02. Review status: criteria provided, single submitter. Criteria: Invitae Variant Classification Sherloc (09022015). Collection method: clinical testing. Allele origin: germline.

CeGaT Center for Human Genetics Tuebingen
Classification: Likely benign. Last evaluated: 2025-06-01. Review status: criteria provided, single submitter. Criteria: CeGaT Center For Human Genetics Tuebingen Variant Classification Criteria Version 2. Collection method: clinical testing. Allele origin: germline. Affected: yes. Observed: 2 variant alleles.
Comment: CNGB1: BP4, BP7, BS2

ARUP Laboratories, Molecular Genetics and Genomics, ARUP Laboratories
Classification: Benign for Retinitis pigmentosa 45. Last evaluated: 2023-09-21. Review status: criteria provided, single submitter. Criteria: ARUP Molecular Germline Variant Investigation Process 2024. Collection method: clinical testing. Allele origin: germline.

Illumina Laboratory Services, Illumina
Classification: Uncertain significance for Retinitis pigmentosa. Last evaluated: 2018-01-13. Review status: criteria provided, single submitter. Criteria: ICSL Variant Classification Criteria 13 December 2019. Collection method: clinical testing. Allele origin: germline.

Eurofins Ntd Llc (ga)
Classification: Likely benign. Last evaluated: 2017-08-08. Review status: criteria provided, single submitter. Criteria: EGL Classification Definitions 2015. Collection method: clinical testing. Allele origin: germline. Observed: 2 variant alleles, 2 heterozygotes.

NM_001297.5(CNGB1):c.1479G>A (p.Pro493=)

Gene: CNGB1 (cyclic nucleotide gated channel subunit beta 1; minus strand). Cytogenetic location: 16q21.
Variant type: single nucleotide variant.
Coding change: c.1479G>A on transcript NM_001297.5 (MANE Select); coding-DNA position 1479, G replaced by A.
Protein change: p.Pro493=; no amino-acid change (proline 493 retained).
Molecular consequence: synonymous variant.
Genome position (GRCh38, 1-based): chr16:57,931,772, C>T on the plus strand (G>A on the coding strand, the complement: CNGB1 is on the minus strand). VCF-style: chr16-57931772-C-T. GRCh37 (hg19) VCF-style: chr16-57965676-C-T.
Other names: c.1461G>A, p.Pro487= (NM_001286130.2).
Identifiers: ClinVar variation 93696 (VCV000093696.49), dbSNP rs1052029, ClinGen allele CA221637.